The following is an entry in ClinVar:

NM_032444.4(SLX4):c.1924+5G>A

Gene: SLX4 (SLX4 structure-specific endonuclease subunit; minus strand). Cytogenetic location: 16p13.3.
Variant type: single nucleotide variant.
Coding change: c.1924+5G>A on transcript NM_032444.4 (MANE Select); 5 bases into the intron after coding-DNA position 1924, G replaced by A.
Molecular consequence: intron variant.
Genome position (GRCh38, 1-based): chr16:3,596,148, C>T on the plus strand (G>A on the coding strand, the complement: SLX4 is on the minus strand). VCF-style: chr16-3596148-C-T. GRCh37 (hg19) VCF-style: chr16-3646149-C-T.
Other names: NM_032444.2:c1924+5G>A.
Identifiers: ClinVar variation 929622 (VCV000929622.1), dbSNP rs756633703, ClinGen allele CA7866379.

ClinVar aggregate classification (germline): Likely benign (0 of 4 stars; one submission).

Allele frequency attached by ClinVar (database versions not stated): ExAC below 0.00001.

Submission:

Leiden Open Variation Database
Classification: Likely benign. Last evaluated: 2012-08-31. Review status: no assertion criteria provided. Collection method: curation. Allele origin: germline. Affected: yes.
Comment: Curator: Arleen D. Auerbach. Submitter to LOVD: Janine Bakker.

Literature cited by the submitters: PubMed 22911665.